The following is an entry in ClinVar:

NM_001283009.2(RTEL1):c.2698A>G (p.Met900Val)

Genes: RTEL1 (regulator of telomere elongation helicase 1; plus strand), RTEL1-TNFRSF6B (RTEL1-TNFRSF6B readthrough (NMD candidate); plus strand). Cytogenetic location: 20q13.33.
Variant type: single nucleotide variant.
Coding change: c.2698A>G on transcript NM_001283009.2 (MANE Select); coding-DNA position 2698, A replaced by G.
Protein change: p.Met900Val; replaces methionine 900 with valine.
Molecular consequence: missense variant. On other transcripts: non-coding transcript variant (1).
Genome position (GRCh38, 1-based): chr20:63,692,850, A>G. VCF-style: chr20-63692850-A-G. GRCh37 (hg19) VCF-style: chr20-62324203-A-G.
Other names: c.2029A>G, p.Met677Val (NM_001283010.1); c.2698A>G, p.Met900Val (NM_016434.4); c.2770A>G, p.Met924Val (NM_032957.5); short protein forms M677V, M900V, M924V.
Identifiers: ClinVar variation 3758028 (VCV003758028.2).

ClinVar aggregate classification (germline): Uncertain significance (1 of 4 stars; one submission).

Conditions:
Pulmonary fibrosis and/or bone marrow failure, Telomere-related, 3. Also called: PULMONARY FIBROSIS AND/OR BONE MARROW FAILURE SYNDROME, TELOMERE-RELATED, 3. Identifiers: Orphanet 2032, MedGen C4225346, MONDO:0014613, OMIM 616373.
Dyskeratosis congenita, autosomal recessive 5 (DKCB5). Identifiers: MedGen C3554656, MONDO:0014076, OMIM 615190.

gnomAD v4.1: 39 of 1,612,518 alleles (0.0024%); highest among the groups gnomAD compares: Non-Finnish European, 0.0023%; no homozygotes.

Submission:

Labcorp Genetics (formerly Invitae), Labcorp
Classification: Uncertain significance for Dyskeratosis congenita, autosomal recessive 5; Pulmonary fibrosis and/or bone marrow failure, Telomere-related, 3. Last evaluated: 2025-07-27. Review status: criteria provided, single submitter. Criteria: Invitae Variant Classification Sherloc (09022015). Collection method: clinical testing. Allele origin: germline.
Comment: This sequence change replaces methionine, which is neutral and non-polar, with valine, which is neutral and non-polar, at codon 900 of the RTEL1 protein (p.Met900Val). This variant is present in population databases (rs749041304, gnomAD 0.02%). This variant has not been reported in the literature in individuals affected with RTEL1-related conditions. ClinVar contains an entry for this variant (Variation ID: 3758028). An algorithm developed to predict the effect of missense changes on protein structure and function (PolyPhen-2) suggests that this variant is likely to be tolerated. In summary, the available evidence is currently insufficient to determine the role of this variant in disease. Therefore, it has been classified as a Variant of Uncertain Significance.